The following is an entry in ClinVar:

ClinVar aggregate classification (germline): Pathogenic (1 of 4 stars; one submission).

Conditions:
Hereditary cancer-predisposing syndrome. Also called: Hereditary Cancer Syndrome; Hereditary neoplastic syndrome; Neoplastic Syndromes, Hereditary; Tumor predisposition. Identifiers: Orphanet 140162, MedGen C0027672, MeSH D009386, MONDO:0015356.

Submission:

Ambry Genetics
Classification: Pathogenic for Hereditary cancer-predisposing syndrome. Last evaluated: 2020-12-10. Review status: criteria provided, single submitter. Criteria: Ambry Variant Classification Scheme 2023. Collection method: clinical testing. Allele origin: germline.
Comment: The c.1276dupT pathogenic mutation, located in coding exon 4 of the MSH6 gene, results from a duplication of T at nucleotide position 1276, causing a translational frameshift with a predicted alternate stop codon (p.C426Lfs*9). This alteration is expected to result in loss of function by premature protein truncation or nonsense-mediated mRNA decay. As such, this alteration is interpreted as a disease-causing mutation.

NM_000179.3(MSH6):c.1276dup (p.Cys426fs)

Gene: MSH6 (mutS homolog 6; plus strand). Cytogenetic location: 2p16.3.
Variant type: Duplication.
Coding change: c.1276dup on transcript NM_000179.3 (MANE Select); coding-DNA position 1276, one base duplicated (T; older notation c.1276dupT).
Protein change: p.Cys426fs; shifts the reading frame from cysteine 426.
Molecular consequence: frameshift variant.
Genome position (GRCh38, 1-based): chr2:47,799,259, T duplicated. VCF-style (leftmost placement, unchanged base first): chr2-47799258-C-CT. GRCh37 (hg19) VCF-style: chr2-48026397-C-CT.
Other names: c.1276dup, p.Cys426Leufs (NM_001406796.1, NM_001406798.1, NM_001406800.1 and 4 more transcripts); c.979dup, p.Cys327Leufs (NM_001406797.1, NM_001406805.1, NM_001406801.1 and 10 more transcripts); c.751dup, p.Cys251Leufs (NM_001406799.1, NM_001406806.1, NM_001406807.1); c.1198dup, p.Cys400Leufs (NM_001406804.1); c.1372dup, p.Cys458Leufs (NM_001406802.1, NM_001406795.1); c.886dup, p.Cys296fs (NM_001281492.2); c.370dup, p.Cys124fs (NM_001281493.2, NM_001281494.2); c.370dup, p.Cys124Leufs (NM_001406811.1, NM_001406812.1, NM_001406814.1 and 4 more transcripts); and 3 more; short protein forms C296fs, C426fs, C124fs.
Identifiers: ClinVar variation 1766656 (VCV001766656.2), dbSNP rs2530600660, ClinGen allele CA2580067544.